The following is an entry in ClinVar:

ClinVar aggregate classification (germline): Likely pathogenic (1 of 4 stars; one submission).

Conditions:
Glucocorticoid deficiency 4. Also called: Glucocorticoid deficiency 4 with or without mineralocorticoid deficiency. Identifiers: Orphanet 361, MedGen C3553587, MONDO:0013874, OMIM 614736.

Submission:

Diagnostics Services (NGS), CSIR - Centre For Cellular And Molecular Biology
Classification: Likely pathogenic for Glucocorticoid deficiency 4. Last evaluated: 2025-02-05. Review status: criteria provided, single submitter. Criteria: ACMG Guidelines, 2015. Collection method: clinical testing. Allele origin: germline. Affected: yes. Observed: 1 variant allele, 1 homozygote.
Comment: The c.2519_2522dup variant is not present in publicly available population databases like 1000 Genomes, EVS, gnomAD, Indian Exome Database or our internal database. This variant has neither been published in literature in individuals with NNT-related conditions nor reported to the clinical databases like Human Genome Mutation Database (HGMD), ClinVar or OMIM, in any affected individuals. In-silico pathogenicity prediction programs like MutationTaster2, CADD, Varsome, Franklin etc predicted the variant to be likely deleterious. This variant creates a premature translational stop signal at the 841st amino acid position of the wild-type transcript that may either result in translation of a truncated protein or cause nonsense mediated decay of the mRNA.

NM_182977.3(NNT):c.2519_2522dup (p.Tyr841Ter)

Gene: NNT (nicotinamide nucleotide transhydrogenase; plus strand). Cytogenetic location: 5p12.
Variant type: Duplication.
Coding change: c.2519_2522dup on transcript NM_182977.3 (MANE Select); coding-DNA positions 2519 to 2522, 4 bases duplicated (GCTA; older notation c.2519_2522dupGCTA).
Protein change: p.Tyr841Ter; replaces tyrosine 841 with a stop codon.
Molecular consequence: nonsense.
Genome position (GRCh38, 1-based): chr5:43,659,235-43,659,238, GCTA duplicated; duplicating any 4 consecutive bases within chr5:43,659,234-43,659,238 gives the same sequence; the c. name uses the placement nearest the transcript's 3' end. VCF-style (leftmost placement, unchanged base first): chr5-43659233-C-CAGCT. GRCh37 (hg19) VCF-style: chr5-43659335-C-CAGCT.
Other names: c.2126_2129dup, p.Tyr710Ter (NM_001331026.2); c.2519_2522dup, p.Tyr841Ter (NM_012343.4); short protein forms Y710*, Y841*.
Identifiers: ClinVar variation 3767966 (VCV003767966.1).